The following is an entry in ClinVar:

NM_000530.8(MPZ):c.641G>A (p.Arg214Gln)

Gene: MPZ (myelin protein zero; minus strand). Cytogenetic location: 1q23.3.
Variant type: single nucleotide variant.
Coding change: c.641G>A on transcript NM_000530.8 (MANE Select); coding-DNA position 641, G replaced by A.
Protein change: p.Arg214Gln; replaces arginine 214 with glutamine.
Molecular consequence: missense variant.
Genome position (GRCh38, 1-based): chr1:161,306,112, C>T on the plus strand (G>A on the coding strand, the complement: MPZ is on the minus strand). VCF-style: chr1-161306112-C-T. GRCh37 (hg19) VCF-style: chr1-161275902-C-T.
Other names: c.641G>A, p.Arg214Gln (NM_001315491.2); short protein forms R214Q.
Identifiers: ClinVar variation 499660 (VCV000499660.15), dbSNP rs147718043, ClinGen allele CA1210098.
Genomic context (GRCh38, chr1:161,306,112, plus strand): 5'-CCGGCGGCTCCCAGGGTTCTCCTTCCCATCTTGTCTAGGCCCCAAGTCCCGCTAACCTGC[C>T]GCCCGCGCTTCGACGCGTCCTTTCCTGGCTTGTGCAATTTCCCCTTCTCCATAGCACTGC-3'
Protein context (NP_000521.2, residues 204-224): KPGKDASKRG[Arg214Gln]QTPVLYAMLD

ClinVar aggregate classification (germline): Conflicting classifications of pathogenicity. Review status: criteria provided, conflicting classifications (1 of 4 stars). 3 submissions from 3 submitters: Uncertain significance (2); Likely benign (1). Last evaluated 2024-12-11.

Conditions:
Charcot-Marie-Tooth disease, type I (CMT1). Also called: Charcot-Marie-Tooth, Type 1; Charcot-Marie-Tooth disease type 1. Identifiers: Orphanet 65753, MedGen C0751036, MONDO:0019011.

Allele frequency attached by ClinVar (database versions not stated): 1000 Genomes Project 30x 0.00016; 1000 Genomes Project 0.00020; ExAC 0.00007; gnomAD 0.00021 and 0.00023; TOPMed 0.00031; gnomAD exomes 0.00006; ESP Exome Variant Server 0.00015.
gnomAD v4.1: 55 of 1,614,252 alleles (0.0034%); highest among the groups gnomAD compares: African/African-American, 0.071%; no homozygotes.

Submissions (3):

GeneDx
Classification: Uncertain significance. Last evaluated: 2024-12-11. Review status: criteria provided, single submitter. Criteria: GeneDx Variant Classification Process June 2021. Collection method: clinical testing. Allele origin: germline. Affected: yes.
Comment: Published functional studies suggests that this variant induces unfolded protein response and leads to ER retention (PMID: 29687021); Missense variants in this gene are a common cause of disease and they are underrepresented in the general population; In silico analysis indicates that this missense variant does not alter protein structure/function; This variant is associated with the following publications: (PMID: 26135405, 26310628, 29687021, 20461396)

Labcorp Genetics (formerly Invitae), Labcorp
Classification: Likely benign for Charcot-Marie-Tooth disease, type I. Last evaluated: 2024-10-15. Review status: criteria provided, single submitter. Criteria: Invitae Variant Classification Sherloc (09022015). Collection method: clinical testing. Allele origin: germline.

Eurofins Ntd Llc (ga)
Classification: Uncertain significance. Last evaluated: 2017-01-25. Review status: criteria provided, single submitter. Criteria: EGL Classification Definitions 2015. Collection method: clinical testing. Allele origin: germline. Observed: 1 variant allele, 1 heterozygote.